The following is an entry in ClinVar:

NM_000126.4(ETFA):c.268+1G>A

Gene: ETFA (electron transfer flavoprotein subunit alpha; minus strand). Cytogenetic location: 15q24.2.
Variant type: single nucleotide variant.
Coding change: c.268+1G>A on transcript NM_000126.4 (MANE Select); the canonical splice donor site of the intron after coding-DNA position 268, G replaced by A.
Molecular consequence: splice donor variant.
Genome position (GRCh38, 1-based): chr15:76,292,618, C>T on the plus strand (G>A on the coding strand, the complement: ETFA is on the minus strand). VCF-style: chr15-76292618-C-T. GRCh37 (hg19) VCF-style: chr15-76584959-C-T.
Other names: c.121+1G>A (NM_001127716.2).
Identifiers: ClinVar variation 2413400 (VCV002413400.8), dbSNP rs1567218409, ClinGen allele CA393517154.

ClinVar aggregate classification (germline): Likely pathogenic (1 of 4 stars; one submission).

Conditions:
Multiple acyl-CoA dehydrogenase deficiency (MADD). Also called: Glutaric aciduria, type 2; Glutaric acidemia type II; GA 2; ETHYLMALONIC-ADIPICACIDURIA; GA II; Glutaric Acidemia type 2. Identifiers: Orphanet 26791, MedGen C0268596, MONDO:0009282, OMIM 231680.

Allele frequency attached by ClinVar (database versions not stated): gnomAD exomes 0.00001.
gnomAD v4.1: 5 of 1,612,288 alleles (0.00031%); highest among the groups gnomAD compares: African/African-American, 0.0013%; no homozygotes.

Submission:

Labcorp Genetics (formerly Invitae), Labcorp
Classification: Likely pathogenic for Multiple acyl-CoA dehydrogenase deficiency. Last evaluated: 2023-01-24. Review status: criteria provided, single submitter. Criteria: Invitae Variant Classification Sherloc (09022015). Collection method: clinical testing. Allele origin: germline.
Comment: In summary, the currently available evidence indicates that the variant is pathogenic, but additional data are needed to prove that conclusively. Therefore, this variant has been classified as Likely Pathogenic. Algorithms developed to predict the effect of sequence changes on RNA splicing suggest that this variant may disrupt the consensus splice site. This variant has not been reported in the literature in individuals affected with ETFA-related conditions. This variant is not present in population databases (gnomAD no frequency). This sequence change affects a donor splice site in intron 3 of the ETFA gene. It is expected to disrupt RNA splicing. Variants that disrupt the donor or acceptor splice site typically lead to a loss of protein function (PMID: 16199547), and loss-of-function variants in ETFA are known to be pathogenic (PMID: 16510302, 23785301).

Literature cited by the submitters: PubMed 16199547; PubMed 16510302; PubMed 23785301.